The following is an entry in ClinVar:

NM_007363.5(NONO):c.1375C>G (p.Pro459Ala)

Gene: NONO (non-POU domain containing octamer binding; plus strand). Cytogenetic location: Xq13.1.
Variant type: single nucleotide variant.
Coding change: c.1375C>G on transcript NM_007363.5 (MANE Select); coding-DNA position 1375, C replaced by G.
Protein change: p.Pro459Ala; replaces proline 459 with alanine.
Molecular consequence: missense variant.
Genome position (GRCh38, 1-based): chrX:71,300,035, C>G. VCF-style: chrX-71300035-C-G. GRCh37 (hg19) VCF-style: chrX-70519885-C-G.
Other names: c.1375C>G, p.Pro459Ala (NM_001145408.2, NM_001145409.2); c.1108C>G, p.Pro370Ala (NM_001145410.2); short protein forms P370A, P459A.
Identifiers: ClinVar variation 5016836 (VCV005016836.1).

ClinVar aggregate classification (germline): Uncertain significance (1 of 4 stars; one submission).

gnomAD v4.1: 21 of 1,209,496 alleles (0.0017%); highest among the groups gnomAD compares: East Asian, 0.059%; no homozygotes.

Submission:

GeneDx
Classification: Uncertain significance. Last evaluated: 2026-03-26. Review status: criteria provided, single submitter. Criteria: GeneDx Variant Classification Process June 2021. Collection method: clinical testing. Allele origin: germline.
Comment: Not observed at significant frequency in large population cohorts (gnomAD); In silico analysis suggests that this missense variant does not alter protein structure/function; This variant is associated with the following publications: (PMID: 36653413)